The following is an entry in ClinVar:

ClinVar aggregate classification (germline): Uncertain significance. Review status: criteria provided, multiple submitters, no conflicts (2 of 4 stars). 2 submissions from 2 submitters: Uncertain significance (2). Last evaluated 2022-11-11.

Conditions:
Rhabdoid tumor predisposition syndrome 2 (RTPS2). Identifiers: Orphanet 231108, Orphanet 69077, MedGen C2750074, MONDO:0013224, OMIM 613325.
Hereditary cancer-predisposing syndrome. Also called: Neoplastic Syndromes, Hereditary; Tumor predisposition; Hereditary neoplastic syndrome; Hereditary Cancer Syndrome. Identifiers: Orphanet 140162, MedGen C0027672, MeSH D009386, MONDO:0015356.

gnomAD v4.1: 1 of 1,599,692 alleles (0.000063%); highest among the groups gnomAD compares: Non-Finnish European, 0.000085%; no homozygotes.

Submissions (2):

Labcorp Genetics (formerly Invitae), Labcorp
Classification: Uncertain significance for Rhabdoid tumor predisposition syndrome 2. Last evaluated: 2022-11-11. Review status: criteria provided, single submitter. Criteria: Invitae Variant Classification Sherloc (09022015). Collection method: clinical testing. Allele origin: germline.
Comment: In summary, the available evidence is currently insufficient to determine the role of this variant in disease. Therefore, it has been classified as a Variant of Uncertain Significance. Algorithms developed to predict the effect of missense changes on protein structure and function (SIFT, PolyPhen-2, Align-GVGD) all suggest that this variant is likely to be tolerated. ClinVar contains an entry for this variant (Variation ID: 824724). This variant has not been reported in the literature in individuals affected with SMARCA4-related conditions. This variant is not present in population databases (gnomAD no frequency). This sequence change replaces cysteine, which is neutral and slightly polar, with serine, which is neutral and polar, at codon 1417 of the SMARCA4 protein (p.Cys1417Ser).

Ambry Genetics
Classification: Uncertain significance for Hereditary cancer-predisposing syndrome. Last evaluated: 2019-08-20. Review status: criteria provided, single submitter. Criteria: Ambry Variant Classification Scheme 2023. Collection method: clinical testing. Allele origin: germline.
Comment: The p.C1417S variant (also known as c.4250G>C), located in coding exon 29 of the SMARCA4 gene, results from a G to C substitution at nucleotide position 4250. The cysteine at codon 1417 is replaced by serine, an amino acid with dissimilar properties. This amino acid position is conserved on limited sequence alignment. In addition, this alteration is predicted to be tolerated by in silico analysis. Since supporting evidence is limited at this time, the clinical significance of this alteration remains unclear.

NM_003072.5(SMARCA4):c.4171-1770G>C

Gene: SMARCA4 (SWI/SNF related BAF chromatin remodeling complex subunit ATPase 4; plus strand). Cytogenetic location: 19p13.2.
Variant type: single nucleotide variant.
Coding change: c.4171-1770G>C on transcript NM_003072.5 (MANE Select); 1770 bases into the intron before coding-DNA position 4171, G replaced by C.
Molecular consequence: intron variant. On other transcripts: missense variant (1).
Genome position (GRCh38, 1-based): chr19:11,039,537, G>C. VCF-style: chr19-11039537-G-C. GRCh37 (hg19) VCF-style: chr19-11150213-G-C.
Other names: c.4250G>C, p.Cys1417Ser (NM_001128849.3); c.4171-1770G>C (NM_001128844.3); c.4072-1770G>C (NM_001128847.4, NM_001374457.1, NM_001128848.2); c.4072-1761G>C (NM_001128845.2, NM_001128846.2); short protein forms C1417S.
Identifiers: ClinVar variation 824724 (VCV000824724.10), dbSNP rs772645133, ClinGen allele CA404071798.